The following is an entry in ClinVar:

ClinVar aggregate classification (germline): Uncertain significance (1 of 4 stars; one submission).

Submission:

GeneDx
Classification: Uncertain significance. Last evaluated: 2024-09-17. Review status: criteria provided, single submitter. Criteria: GeneDx Variant Classification Process June 2021. Collection method: clinical testing. Allele origin: germline. Affected: yes.
Comment: Not observed at significant frequency in large population cohorts (gnomAD); In silico analysis supports that this missense variant has a deleterious effect on protein structure/function; Has not been previously published as pathogenic or benign to our knowledge

NM_001083962.2(TCF4):c.641C>A (p.Ser214Tyr)

Gene: TCF4 (transcription factor 4; minus strand). Cytogenetic location: 18q21.2.
Variant type: single nucleotide variant.
Coding change: c.641C>A on transcript NM_001083962.2 (MANE Select); coding-DNA position 641, C replaced by A.
Protein change: p.Ser214Tyr; replaces serine 214 with tyrosine.
Molecular consequence: missense variant. On other transcripts: 5 prime UTR variant (1).
Genome position (GRCh38, 1-based): chr18:55,279,565, G>T on the plus strand (C>A on the coding strand, the complement: TCF4 is on the minus strand). VCF-style: chr18-55279565-G-T. GRCh37 (hg19) VCF-style: chr18-52946796-G-T.
Other names: c.947C>A, p.Ser316Tyr (NM_001243226.3); c.569C>A, p.Ser190Tyr (NM_001243227.2, NM_001306207.1, NM_001348217.1 and 9 more transcripts); c.659C>A, p.Ser220Tyr (NM_001243228.2); c.635C>A, p.Ser212Tyr (NM_001243230.2); c.515C>A, p.Ser172Tyr (NM_001243231.2, NM_001348211.2); c.428C>A, p.Ser143Tyr (NM_001243232.1, NM_001306208.1); c.251C>A, p.Ser84Tyr (NM_001243233.2, NM_001330605.3, NM_001348212.2 and 1 more transcripts); c.161C>A, p.Ser54Tyr (NM_001243234.2, NM_001243235.2, NM_001243236.2 and 2 more transcripts); and 4 more; short protein forms S143Y, S172Y, S189Y, S190Y, S212Y, S213Y, S214Y, S220Y.
Identifiers: ClinVar variation 3774093 (VCV003774093.1).